The following is an entry in ClinVar:

NM_001127671.2(LIFR):c.2053G>A (p.Val685Ile)

Gene: LIFR (LIF receptor subunit alpha; minus strand). Cytogenetic location: 5p13.1.
Variant type: single nucleotide variant.
Coding change: c.2053G>A on transcript NM_001127671.2 (MANE Select); coding-DNA position 2053, G replaced by A.
Protein change: p.Val685Ile; replaces valine 685 with isoleucine.
Molecular consequence: missense variant.
Genome position (GRCh38, 1-based): chr5:38,493,618, C>T on the plus strand (G>A on the coding strand, the complement: LIFR is on the minus strand). VCF-style: chr5-38493618-C-T. GRCh37 (hg19) VCF-style: chr5-38493720-C-T.
Other names: c.2053G>A, p.Val685Ile (NM_001364297.2, NM_001364298.2, NM_002310.6); short protein forms V685I.
Identifiers: ClinVar variation 2828766 (VCV002828766.3), dbSNP rs2530987833, ClinGen allele CA359538602.

ClinVar aggregate classification (germline): Uncertain significance (1 of 4 stars; one submission).

Submission:

Labcorp Genetics (formerly Invitae), Labcorp
Classification: Uncertain significance. Last evaluated: 2023-01-15. Review status: criteria provided, single submitter. Criteria: Invitae Variant Classification Sherloc (09022015). Collection method: clinical testing. Allele origin: germline.
Comment: This sequence change replaces valine, which is neutral and non-polar, with isoleucine, which is neutral and non-polar, at codon 685 of the LIFR protein (p.Val685Ile). This variant is not present in population databases (gnomAD no frequency). This variant has not been reported in the literature in individuals affected with LIFR-related conditions. Algorithms developed to predict the effect of missense changes on protein structure and function output the following: SIFT: "Tolerated"; PolyPhen-2: "Benign"; Align-GVGD: "Class C0". The isoleucine amino acid residue is found in multiple mammalian species, which suggests that this missense change does not adversely affect protein function. In summary, the available evidence is currently insufficient to determine the role of this variant in disease. Therefore, it has been classified as a Variant of Uncertain Significance.